The following is an entry in ClinVar:

ClinVar aggregate classification (germline): Uncertain significance (1 of 4 stars; one submission).

Conditions:
Inborn genetic diseases. Identifiers: MedGen C0950123, MeSH D030342.

Submission:

Ambry Genetics
Classification: Uncertain significance for Inborn genetic diseases. Last evaluated: 2022-02-13. Review status: criteria provided, single submitter. Criteria: Ambry Variant Classification Scheme 2023. Collection method: clinical testing. Allele origin: germline.
Comment: The p.K1601E variant (also known as c.4801A>G), located in coding exon 33 of the LRRK2 gene, results from an A to G substitution at nucleotide position 4801. The lysine at codon 1601 is replaced by glutamic acid, an amino acid with similar properties. This amino acid position is conserved. In addition, this alteration is predicted to be tolerated by in silico analysis. Since supporting evidence is limited at this time, the clinical significance of this alteration remains unclear.

NM_198578.4(LRRK2):c.4801A>G (p.Lys1601Glu)

Gene: LRRK2 (leucine rich repeat kinase 2; plus strand). Cytogenetic location: 12q12.
Variant type: single nucleotide variant.
Coding change: c.4801A>G on transcript NM_198578.4 (MANE Select); coding-DNA position 4801, A replaced by G.
Protein change: p.Lys1601Glu; replaces lysine 1601 with glutamic acid.
Molecular consequence: missense variant.
Genome position (GRCh38, 1-based): chr12:40,315,274, A>G. VCF-style: chr12-40315274-A-G. GRCh37 (hg19) VCF-style: chr12-40709076-A-G.
Other names: short protein forms K1601E.
Identifiers: ClinVar variation 1743202 (VCV001743202.2), dbSNP rs2499853129, ClinGen allele CA384419312.